The following is an entry in ClinVar:

ClinVar aggregate classification (germline): Pathogenic. Review status: criteria provided, multiple submitters, no conflicts (2 of 4 stars). 2 submissions from 2 submitters: Pathogenic (2). Last evaluated 2024-05-29.

Conditions:
Hereditary cancer-predisposing syndrome. Also called: Tumor predisposition; Neoplastic Syndromes, Hereditary; Hereditary neoplastic syndrome; Hereditary Cancer Syndrome. Identifiers: Orphanet 140162, MedGen C0027672, MeSH D009386, MONDO:0015356.
Multiple endocrine neoplasia, type 1 (MEN1). Also called: MEN I; WERMER SYNDROME; Endocrine adenomatosis multiple; MEN 1; MEA I. Identifiers: Orphanet 652, MedGen C0025267, MeSH D018761, MONDO:0007540, OMIM 131100.

Submissions (2):

Ambry Genetics
Classification: Pathogenic for Hereditary cancer-predisposing syndrome. Last evaluated: 2024-05-29. Review status: criteria provided, single submitter. Criteria: Ambry Variant Classification Scheme 2023. Collection method: clinical testing. Allele origin: germline.
Comment: The c.1013delT pathogenic mutation, located in coding exon 6 of the MEN1 gene, results from a deletion of one nucleotide at nucleotide position 1013, causing a translational frameshift with a predicted alternate stop codon (p.L338Rfs*30). This variant has been observed in at least one individual with a personal and/or family history that is consistent with multiple endocrine neoplasia type 1 (Ambry internal data). This variant is considered to be rare based on population cohorts in the Genome Aggregation Database (gnomAD). This alteration is expected to result in loss of function by premature protein truncation or nonsense-mediated mRNA decay. As such, this alteration is interpreted as a disease-causing mutation.

Labcorp Genetics (formerly Invitae), Labcorp
Classification: Pathogenic for Multiple endocrine neoplasia, type 1. Last evaluated: 2021-10-24. Review status: criteria provided, single submitter. Criteria: Invitae Variant Classification Sherloc (09022015). Collection method: clinical testing. Allele origin: germline.
Comment: This sequence change creates a premature translational stop signal (p.Leu338Argfs*30) in the MEN1 gene. It is expected to result in an absent or disrupted protein product. Loss-of-function variants in MEN1 are known to be pathogenic (PMID: 12112656, 17853334). This variant is not present in population databases (ExAC no frequency). This variant has not been reported in the literature in individuals affected with MEN1-related conditions. For these reasons, this variant has been classified as Pathogenic. ClinVar contains an entry for this variant (Variation ID: 1070665).

Literature cited by the submitters: PubMed 12112656 (cited by Labcorp Genetics (formerly Invitae), Labcorp); PubMed 17853334 (cited by Labcorp Genetics (formerly Invitae), Labcorp).

NM_001370259.2(MEN1):c.1013del (p.Leu338fs)

Gene: MEN1 (menin 1; minus strand). Cytogenetic location: 11q13.1.
Variant type: Deletion.
Coding change: c.1013del on transcript NM_001370259.2 (MANE Select); coding-DNA position 1013, one base deleted (T; older notation c.1013delT).
Protein change: p.Leu338fs; shifts the reading frame from leucine 338.
Molecular consequence: frameshift variant.
Genome position (GRCh38, 1-based): chr11:64,806,268, A deleted on the plus strand (T on the coding strand, the reverse complement: MEN1 is on the minus strand). VCF-style (leftmost placement, unchanged base first): chr11-64806267-CA-C. GRCh37 (hg19) VCF-style: chr11-64573739-CA-C.
Other names: c.1013delT (NM_130799.2); c.1028del, p.Leu343fs (NM_000244.4, NM_130800.3, NM_130801.3 and 3 more transcripts); c.1013del, p.Leu338fs (NM_001370251.2, NM_001370260.2, NM_001370261.2 and 1 more transcripts); c.908del, p.Leu303fs (NM_001370262.2, NM_001370263.2); short protein forms L303fs, L338fs, L343fs.
Identifiers: ClinVar variation 1070665 (VCV001070665.8), dbSNP rs2136118927, ClinGen allele CA2499221153.